The following is an entry in ClinVar:

NM_000059.4(BRCA2):c.4039_4043del (p.Val1347fs)

Gene: BRCA2 (BRCA2 DNA repair associated; plus strand). Cytogenetic location: 13q13.1.
Variant type: Deletion.
Coding change: c.4039_4043del on transcript NM_000059.4 (MANE Select); coding-DNA positions 4039 to 4043, 5 bases deleted (GTTTG; older notation c.4039_4043delGTTTG).
Protein change: p.Val1347fs; shifts the reading frame from valine 1347.
Molecular consequence: frameshift variant.
Genome position (GRCh38, 1-based): chr13:32,338,394-32,338,398, GTTTG deleted. VCF-style (leftmost placement, unchanged base first): chr13-32338393-TGTTTG-T. GRCh37 (hg19) VCF-style: chr13-32912530-TGTTTG-T.
Other names: c.4039_4043delGTTTG (NM_000059.4); short protein forms V1347fs.
Identifiers: ClinVar variation 2573125 (VCV002573125.2), dbSNP rs1370021869, ClinGen allele CA609453794.

ClinVar aggregate classification (germline): Pathogenic/Likely pathogenic. Review status: criteria provided, multiple submitters, no conflicts (2 of 4 stars). 2 submissions from 2 submitters: Pathogenic (1); Likely pathogenic (1). Last evaluated 2023-05-25.

Conditions:
Hereditary breast ovarian cancer syndrome. Also called: Breast and ovarian cancer; Hereditary breast and ovarian cancer; Hereditary breast and ovarian cancer syndrome (HBOC); Hereditary breast and/or ovarian cancer syndrome; Hereditary breast and ovarian cancer syndrome; BRCA1- and BRCA2-Associated Hereditary Breast and Ovarian Cancer. Identifiers: Orphanet 145, MedGen C0677776, MeSH D061325, MONDO:0003582. Disease mechanism: loss of function.

Allele frequency attached by ClinVar (database versions not stated): gnomAD 0.00001; gnomAD exomes 0.00001.

Submissions (2):

Institute for Biomarker Research, Medical Diagnostic Laboratories, L.L.C.
Classification: Likely pathogenic for Hereditary breast ovarian cancer syndrome. Last evaluated: 2023-05-25. Review status: criteria provided, single submitter. Criteria: ACMG Guidelines, 2015. Collection method: clinical testing. Allele origin: germline.

Laboratory for Molecular Medicine, Mass General Brigham Personalized Medicine
Classification: Pathogenic for Hereditary breast ovarian cancer syndrome. Last evaluated: 2017-01-27. Review status: criteria provided, single submitter. Criteria: ACMG Guidelines, 2015. Collection method: clinical testing. Allele origin: germline. Inheritance: Autosomal dominant inheritance.
Comment: The p.Val1347fs variant in BRCA2 has not been previously reported in individuals with BRCA2-associated cancers or in large population studies. This variant is predicted to cause a frameshift, which alters the protein’s amino acid sequence beginning at position 1347 and leads to a premature termination codon 3 amino acids downstream. This alteration is then predicted to lead to a truncated or absent protein. Heterozygous loss of function of the BRCA2 gene is an established disease mechanism in individuals with HBOC. In summary, this variant meets criteria to be classified as pathogenic for HBOC in an autosomal dominant manner based upon predicted impact to the protein.